The following is an entry in ClinVar:

NM_001378615.1(CC2D2A):c.3140T>C (p.Ile1047Thr)

Genes: FBXL5 (F-box and leucine rich repeat protein 5; minus strand), CC2D2A (coiled-coil and C2 domain containing 2A; plus strand). Cytogenetic location: 4p15.32.
Variant type: single nucleotide variant.
Coding change: c.3140T>C on transcript NM_001378615.1 (MANE Select); coding-DNA position 3140, T replaced by C.
Protein change: p.Ile1047Thr; replaces isoleucine 1047 with threonine.
Molecular consequence: missense variant.
Genome position (GRCh38, 1-based): chr4:15,563,480, T>C. VCF-style: chr4-15563480-T-C. GRCh37 (hg19) VCF-style: chr4-15565103-T-C.
Other names: c.3140T>C, p.Ile1047Thr (NM_001080522.2); c.2993T>C, p.Ile998Thr (NM_001378617.1); short protein forms I998T, I1047T.
Identifiers: ClinVar variation 940312 (VCV000940312.7), dbSNP rs778559564, ClinGen allele CA2864083.

ClinVar aggregate classification (germline): Uncertain significance (1 of 4 stars; one submission).

Conditions:
Meckel-Gruber syndrome. Also called: Dysencephalia splachnocystica; DYSENCEPHALIA SPLANCHNOCYSTICA; GRUBER SYNDROME. Identifiers: Orphanet 564, MedGen C0265215, MONDO:0018921.
Joubert syndrome. Also called: Familial aplasia of the vermis; JOUBERT-BOLTSHAUSER SYNDROME. Identifiers: Orphanet 475, MedGen C5979921, MONDO:0018772.

Allele frequency attached by ClinVar (database versions not stated): gnomAD exomes below 0.00001; ExAC 0.00001.

Submission:

Labcorp Genetics (formerly Invitae), Labcorp
Classification: Uncertain significance for Joubert syndrome; Meckel-Gruber syndrome. Last evaluated: 2024-10-29. Review status: criteria provided, single submitter. Criteria: Invitae Variant Classification Sherloc (09022015). Collection method: clinical testing. Allele origin: germline.
Comment: This sequence change replaces isoleucine, which is neutral and non-polar, with threonine, which is neutral and polar, at codon 1047 of the CC2D2A protein (p.Ile1047Thr). The frequency data for this variant in the population databases is considered unreliable, as metrics indicate poor data quality at this position in the gnomAD database. This variant has not been reported in the literature in individuals affected with CC2D2A-related conditions. ClinVar contains an entry for this variant (Variation ID: 940312). Invitae Evidence Modeling of protein sequence and biophysical properties (such as structural, functional, and spatial information, amino acid conservation, physicochemical variation, residue mobility, and thermodynamic stability) indicates that this missense variant is expected to disrupt CC2D2A protein function with a positive predictive value of 80%. In summary, the available evidence is currently insufficient to determine the role of this variant in disease. Therefore, it has been classified as a Variant of Uncertain Significance.